The following is an entry in ClinVar:

NM_001378120.1(MBD5):c.1379C>A (p.Ser460Ter)

Gene: MBD5 (methyl-CpG binding domain protein 5; plus strand). Cytogenetic location: 2q23.1.
Variant type: single nucleotide variant.
Coding change: c.1379C>A on transcript NM_001378120.1 (MANE Select); coding-DNA position 1379, C replaced by A.
Protein change: p.Ser460Ter; replaces serine 460 with a stop codon.
Molecular consequence: nonsense.
Genome position (GRCh38, 1-based): chr2:148,469,322, C>A. VCF-style: chr2-148469322-C-A. GRCh37 (hg19) VCF-style: chr2-149226891-C-A.
Other names: c.1379C>A, p.Ser460Ter (NM_018328.5); short protein forms S460*.
Identifiers: ClinVar variation 1437405 (VCV001437405.6), dbSNP rs878910680, ClinGen allele CA348719567.
Genomic context (GRCh38, chr2:148,469,322, plus strand): 5'-CATCCCCCGTGCACATGATGGGGACTGGAATTGGAAGGATTGAGGCATCGCCCCAAAGAT[C>A]ACGCTCATCTTCCACATCATCAGATCATGGAAATTTCATGATGCCACCTGTAGGACCCCA-3'

ClinVar aggregate classification (germline): Pathogenic (1 of 4 stars; one submission).

Conditions:
Intellectual developmental disorder, autosomal dominant 1. Also called: Intellectual disability, autosomal dominant 1; MBD5 Haploinsufficiency. Identifiers: Orphanet 228402, MedGen C1969562, MONDO:0007974, OMIM 156200.

Submission:

Labcorp Genetics (formerly Invitae), Labcorp
Classification: Pathogenic for Intellectual developmental disorder, autosomal dominant 1. Last evaluated: 2025-03-06. Review status: criteria provided, single submitter. Criteria: Invitae Variant Classification Sherloc (09022015). Collection method: clinical testing. Allele origin: germline.
Comment: This sequence change creates a premature translational stop signal (p.Ser460*) in the MBD5 gene. It is expected to result in an absent or disrupted protein product. Loss-of-function variants in MBD5 are known to be pathogenic (PMID: 23422940, 23587880). This variant is not present in population databases (gnomAD no frequency). This variant has not been reported in the literature in individuals affected with MBD5-related conditions. ClinVar contains an entry for this variant (Variation ID: 1437405). For these reasons, this variant has been classified as Pathogenic.

Literature cited by the submitters: PubMed 23422940; PubMed 23587880.